The following is an entry in ClinVar:

NM_178452.6(DNAAF1):c.988C>T (p.Arg330Trp)

Gene: DNAAF1 (dynein axonemal assembly factor 1; plus strand). Cytogenetic location: 16q24.1.
Variant type: single nucleotide variant.
Coding change: c.988C>T on transcript NM_178452.6 (MANE Select); coding-DNA position 988, C replaced by T.
Protein change: p.Arg330Trp; replaces arginine 330 with tryptophan.
Molecular consequence: missense variant.
Genome position (GRCh38, 1-based): chr16:84,165,907, C>T. VCF-style: chr16-84165907-C-T. GRCh37 (hg19) VCF-style: chr16-84199513-C-T.
Other names: p.Arg330Trp; c.232C>T, p.Arg78Trp (NM_001318756.1); c.988C>T (NM_178452.4); short protein forms R330W, R78W.
Identifiers: ClinVar variation 3380406 (VCV003380406.2).

ClinVar aggregate classification (germline): Uncertain significance. Review status: criteria provided, multiple submitters, no conflicts (2 of 4 stars). 3 submissions from 3 submitters: Uncertain significance (3). Last evaluated 2025-10-02.

Conditions:
Primary ciliary dyskinesia. Also called: Ciliary dyskinesia. Identifiers: Orphanet 244, MedGen C0008780, MONDO:0016575, HP:0012265.

gnomAD v4.1: 37 of 1,613,042 alleles (0.0023%); highest among the groups gnomAD compares: African/African-American, 0.004%; no homozygotes.

Submissions (3):

Ambry Genetics
Classification: Uncertain significance for Primary ciliary dyskinesia. Last evaluated: 2025-10-02. Review status: criteria provided, single submitter. Criteria: Ambry Variant Classification Scheme 2023. Collection method: clinical testing. Allele origin: germline.

Mayo Clinic Laboratories, Mayo Clinic
Classification: Uncertain significance. Last evaluated: 2024-01-03. Review status: criteria provided, single submitter. Criteria: ACMG Guidelines, 2015. Collection method: clinical testing. Allele origin: germline. Observed: 1 variant allele.
Comment: BP4

Blueprint Genetics
Classification: Uncertain significance. Last evaluated: 2021-11-16. Review status: criteria provided, single submitter. Criteria: ACMG Guidelines, 2015. Collection method: clinical testing. Allele origin: germline.